The following is an entry in ClinVar:

NC_000023.10:g.(?_32482693)_(33038327_?)dup

Gene: DMD (dystrophin; minus strand). Cytogenetic location: Xp21.1.
Variant type: Duplication.
Identifiers: ClinVar variation 1067796 (VCV001067796.6).

ClinVar aggregate classification (germline): Likely pathogenic (1 of 4 stars; one submission).

Conditions:
Duchenne muscular dystrophy (DMD). Also called: MUSCULAR DYSTROPHY, PSEUDOHYPERTROPHIC PROGRESSIVE, DUCHENNE TYPE; Duchenne Muscular Dystrophy (DMD). Identifiers: Orphanet 98896, MedGen C0013264, MONDO:0010679, OMIM 310200.

Submission:

Labcorp Genetics (formerly Invitae), Labcorp
Classification: Likely pathogenic for Duchenne muscular dystrophy. Last evaluated: 2020-03-19. Review status: criteria provided, single submitter. Criteria: Invitae Variant Classification Sherloc (09022015). Collection method: clinical testing. Allele origin: germline.
Comment: In summary, the currently available evidence indicates that the variant is pathogenic, but additional data are needed to prove that conclusively. Therefore, this variant has been classified as Likely Pathogenic. Loss-of-function variants in DMD are known to be pathogenic (PMID: 16770791, 25007885). This variant has not been reported in the literature in individuals with DMD-related conditions. This variant results in a copy number gain of the genomic region encompassing exons 2-24 of the DMD gene. While the exact position of this variant cannot be determined from this data, sub-genic copy number gains are generally in tandem (PMID: 25640679) and may result in an absent or disrupted protein product.

Literature cited by the submitters: PubMed 16770791; PubMed 25007885; PubMed 25640679.